The following is an entry in ClinVar:

ClinVar aggregate classification (germline): Conflicting classifications of pathogenicity. Review status: criteria provided, conflicting classifications (1 of 4 stars). 4 submissions from 4 submitters: Uncertain significance (3); Likely benign (1). Last evaluated 2025-06-10.

Conditions:
Marfan syndrome (MFS). Also called: Marfan's syndrome; Marfan syndrome, classic; MARFAN SYNDROME, TYPE I; Marfan syndrome type 1; FBN1-Related Marfan Syndrome. Identifiers: Orphanet 284963, Orphanet 558, MedGen C0024796, MONDO:0007947, OMIM 154700.
Familial thoracic aortic aneurysm and aortic dissection (TAAD). Also called: Thoracic aortic aneurysms and dissections. Identifiers: Orphanet 91387, MedGen C4707243, MONDO:0019625.

gnomAD v4.1: 2 of 1,612,356 alleles (0.00012%); highest among the groups gnomAD compares: Non-Finnish European, 0.000085%; no homozygotes.

Submissions (4):

Labcorp Genetics (formerly Invitae), Labcorp
Classification: Uncertain significance for Marfan syndrome; Familial thoracic aortic aneurysm and aortic dissection. Last evaluated: 2025-06-10. Review status: criteria provided, single submitter. Criteria: Invitae Variant Classification Sherloc (09022015). Collection method: clinical testing. Allele origin: germline.
Comment: This sequence change replaces threonine, which is neutral and polar, with serine, which is neutral and polar, at codon 929 of the FBN1 protein (p.Thr929Ser). This variant is not present in population databases (gnomAD no frequency). This variant has not been reported in the literature in individuals affected with FBN1-related conditions. ClinVar contains an entry for this variant (Variation ID: 1795984). Invitae Evidence Modeling of protein sequence and biophysical properties (such as structural, functional, and spatial information, amino acid conservation, physicochemical variation, residue mobility, and thermodynamic stability) indicates that this missense variant is not expected to disrupt FBN1 protein function with a negative predictive value of 95%. In summary, the available evidence is currently insufficient to determine the role of this variant in disease. Therefore, it has been classified as a Variant of Uncertain Significance.

All of Us Research Program, National Institutes of Health
Classification: Uncertain significance for Marfan syndrome. Last evaluated: 2023-12-18. Review status: criteria provided, single submitter. Criteria: ACMG Guidelines, 2015. Collection method: clinical testing. Allele origin: germline. Inheritance: Autosomal dominant inheritance. Observed: 2 variant alleles, 2 heterozygotes.
Comment: This missense variant replaces threonine with serine at codon 929 of the FBN1 protein. Computational prediction suggests that this variant may not impact protein structure and function (internally defined REVEL score threshold <= 0.5, PMID: 27666373). To our knowledge, functional studies have not been reported for this variant. This variant has not been reported in individuals affected with FBN1-related disorders in the literature. This variant has not been identified in the general population by the Genome Aggregation Database (gnomAD). The available evidence is insufficient to determine the role of this variant in disease conclusively. Therefore, this variant is classified as a Variant of Uncertain Significance.

This study involves interpretation of variants in research participants for the purpose of population health screening. Participant phenotype was not available at the time of variant classification. Additional details can be found in publication PMID: 35346344, PMCID: PMC8962531

Color Diagnostics, LLC DBA Color Health
Classification: Uncertain significance for Familial thoracic aortic aneurysm and aortic dissection. Last evaluated: 2023-11-22. Review status: criteria provided, single submitter. Criteria: ACMG Guidelines, 2015. Collection method: clinical testing. Allele origin: germline.
Comment: This missense variant replaces threonine with serine at codon 929 of the FBN1 protein. Computational prediction suggests that this variant may not impact protein structure and function. To our knowledge, functional studies have not been reported for this variant. This variant has not been reported in individuals affected with FBN1-related disorders in the literature. This variant has not been identified in the general population by the Genome Aggregation Database (gnomAD). The available evidence is insufficient to determine the role of this variant in disease conclusively. Therefore, this variant is classified as a Variant of Uncertain Significance.

Ambry Genetics
Classification: Likely benign for Familial thoracic aortic aneurysm and aortic dissection. Last evaluated: 2022-01-06. Review status: criteria provided, single submitter. Criteria: Ambry Variant Classification Scheme 2023. Collection method: clinical testing. Allele origin: germline.

NM_000138.5(FBN1):c.2786C>G (p.Thr929Ser)

Gene: FBN1 (fibrillin 1; minus strand). Cytogenetic location: 15q21.1.
Variant type: single nucleotide variant.
Coding change: c.2786C>G on transcript NM_000138.5 (MANE Select); coding-DNA position 2786, C replaced by G.
Protein change: p.Thr929Ser; replaces threonine 929 with serine.
Molecular consequence: missense variant.
Genome position (GRCh38, 1-based): chr15:48,492,529, G>C on the plus strand (C>G on the coding strand, the complement: FBN1 is on the minus strand). VCF-style: chr15-48492529-G-C. GRCh37 (hg19) VCF-style: chr15-48784726-G-C.
Other names: c.2786C>G, p.Thr929Ser (NM_001406716.1); short protein forms T929S.
Identifiers: ClinVar variation 1795984 (VCV001795984.6), dbSNP rs764560018, ClinGen allele CA392330684.